The following is an entry in ClinVar:

ClinVar aggregate classification (germline): Benign/Likely benign. Review status: criteria provided, multiple submitters, no conflicts (2 of 4 stars). 10 submissions from 9 submitters: Benign (8); Likely benign (2). Last evaluated 2026-02-03.

Conditions:
Cardiovascular phenotype. Identifiers: MedGen CN230736.
Cardiomyopathy (CMYO). Also called: Cardiomyopathies. Identifiers: Orphanet 167848, MedGen C0878544, MONDO:0004994, HP:0001638. Inheritance: Various modes of inheritance.
Catecholaminergic polymorphic ventricular tachycardia 1. Also called: RYR2-Related Catecholaminergic Polymorphic Ventricular Tachycardia; VENTRICULAR TACHYCARDIA, STRESS-INDUCED POLYMORPHIC 1; VENTRICULAR TACHYCARDIA, CATECHOLAMINERGIC POLYMORPHIC, 1, WITH OR WITHOUT ATRIAL DYSFUNCTION AND/OR DILATED CARDIOMYOPATHY. Identifiers: Orphanet 3286, MedGen C1631597, MONDO:0011484, OMIM 604772.
Arrhythmogenic right ventricular dysplasia 2. Identifiers: MedGen C1832931.

Allele frequency attached by ClinVar (database versions not stated): gnomAD 0.00043 and 0.00059; gnomAD exomes 0.00055 and 0.00126; TOPMed 0.00070; ExAC 0.00130; 1000 Genomes Project 0.00200; 1000 Genomes Project 30x 0.00219.
gnomAD v4.1: 898 of 1,613,836 alleles (0.056%); highest among the groups gnomAD compares: East Asian, 1.9%; 6 homozygotes.

Submissions (10):

Labcorp Genetics (formerly Invitae), Labcorp
Classification: Benign for Catecholaminergic polymorphic ventricular tachycardia 1. Last evaluated: 2026-02-03. Review status: criteria provided, single submitter. Criteria: Invitae Variant Classification Sherloc (09022015). Collection method: clinical testing. Allele origin: germline.

Blueprint Genetics
Classification: Likely benign. Last evaluated: 2024-11-25. Review status: criteria provided, single submitter. Criteria: ACMG Guidelines, 2015. Collection method: clinical testing. Allele origin: germline.

Color Diagnostics, LLC DBA Color Health
Classification: Benign for Cardiomyopathy. Last evaluated: 2018-03-08. Review status: criteria provided, single submitter. Criteria: ACMG Guidelines, 2015. Collection method: clinical testing. Allele origin: germline.

Illumina Laboratory Services, Illumina
Classification: Likely benign for Catecholaminergic polymorphic ventricular tachycardia 1. Last evaluated: 2018-01-12. Review status: criteria provided, single submitter. Criteria: ICSL Variant Classification Criteria 13 December 2019. Collection method: clinical testing. Allele origin: germline.
Comment: This variant was observed in the ICSL laboratory as part of a predisposition screen in an ostensibly healthy population. It had not been previously curated by ICSL or reported in the Human Gene Mutation Database (HGMD: prior to June 1st, 2018), and was therefore a candidate for classification through an automated scoring system. Utilizing variant allele frequency, disease prevalence and penetrance estimates, and inheritance mode, an automated score was calculated to assess if this variant is too frequent to cause the disease. Based on the score and internal cut-off values, a variant classified as likely benign is not then subjected to further curation. The score for this variant resulted in a classification of likely benign for this disease.

Illumina Laboratory Services, Illumina
Classification: Benign for Catecholaminergic polymorphic ventricular tachycardia 1. Last evaluated: 2018-01-12. Review status: criteria provided, single submitter. Criteria: ICSL Variant Classification Criteria 13 December 2019. Collection method: clinical testing. Allele origin: germline.
Comment: This variant was observed in the ICSL laboratory as part of a predisposition screen in an ostensibly healthy population. It had not been previously curated by ICSL or reported in the Human Gene Mutation Database (HGMD: prior to June 1st, 2018), and was therefore a candidate for classification through an automated scoring system. Utilizing variant allele frequency, disease prevalence and penetrance estimates, and inheritance mode, an automated score was calculated to assess if this variant is too frequent to cause the disease. Based on the score and internal cut-off values, a variant classified as benign is not then subjected to further curation. The score for this variant resulted in a classification of benign for this disease.

Women's Health and Genetics/Laboratory Corporation of America, LabCorp
Classification: Benign. Last evaluated: 2017-01-23. Review status: criteria provided, single submitter. Criteria: LabCorp Variant Classification Summary - May 2015. Collection method: clinical testing. Allele origin: germline.
Comment: Variant summary: The RYR2 c.1053A>G (p.Thr351Thr) variant involves the alteration of a non-conserved nucleotide, resulting in a synonymous change. One in silico tool predicts a damaging outcome for this variant. 4/5 splice prediction tools predict no significant impact on normal splicing. ESE finder predicts that this variant may affect ESE site of sRp55. However, these predictions have yet to be confirmed by functional studies. This variant was found in 157/120700 control chromosomes (1 homozygote), predominantly observed in the East Asian subpopulation at a frequency of 0.018118 (156/8610). This frequency is about 725 times the estimated maximal expected allele frequency of a pathogenic RYR2 variant (0.000025), suggesting this is likely a benign polymorphism found primarily in the populations of East Asian origin. In addition, multiple clinical diagnostic laboratories/reputable databases classified this variant as benign/likely benign. The variant of interest has not, to our knowledge, been reported in affected individuals via publications; nor evaluated for functional impact by in vivo/vitro studies. Taken together, this variant is classified as benign.

Ambry Genetics
Classification: Benign for Cardiovascular phenotype. Last evaluated: 2016-05-19. Review status: criteria provided, single submitter. Criteria: Ambry Variant Classification Scheme 2023. Collection method: clinical testing. Allele origin: germline.

CHEO Genetics Diagnostic Laboratory, Children's Hospital of Eastern Ontario
Classification: Benign for Cardiomyopathy. Last evaluated: 2015-11-04. Review status: criteria provided, single submitter. Criteria: ACMG Guidelines, 2015. Collection method: clinical testing. Allele origin: germline. Study: Canadian Open Genetics Repository.

GeneDx
Classification: Benign. Last evaluated: 2014-03-27. Review status: criteria provided, single submitter. Criteria: GeneDx Variant Classification (06012015). Collection method: clinical testing. Allele origin: germline. Affected: yes.
Comment: This variant is considered likely benign or benign based on one or more of the following criteria: it is a conservative change, it occurs at a poorly conserved position in the protein, it is predicted to be benign by multiple in silico algorithms, and/or has population frequency not consistent with disease.

Laboratory for Molecular Medicine, Mass General Brigham Personalized Medicine
Classification: Benign. Last evaluated: 2014-03-19. Review status: criteria provided, single submitter. Criteria: LMM Criteria. Collection method: clinical testing. Allele origin: germline. Observed: 1 variant allele.
Comment: Thr351Thr in exon 13 of RYR2: This variant is not expected to have clinical sign ificance because it does not alter an amino acid residue and is not located with in the splice consensus sequence. It has been identified in 3.0% (6/200) of Han Chinese chromosomes from a broad population by the 1000 Genomes Project (dbSNP rs187565743).

NM_001035.3(RYR2):c.1053A>G (p.Thr351=)

Gene: RYR2 (ryanodine receptor 2; plus strand). Cytogenetic location: 1q43.
Variant type: single nucleotide variant.
Coding change: c.1053A>G on transcript NM_001035.3 (MANE Select); coding-DNA position 1053, A replaced by G.
Protein change: p.Thr351=; no amino-acid change (threonine 351 retained).
Molecular consequence: synonymous variant.
Genome position (GRCh38, 1-based): chr1:237,441,366, A>G. VCF-style: chr1-237441366-A-G. GRCh37 (hg19) VCF-style: chr1-237604666-A-G.
Other names: p.T351T:ACA>ACG.
Identifiers: ClinVar variation 138936 (VCV000138936.29), dbSNP rs187565743, ClinGen allele CA006691.
Genomic context (GRCh38, chr1:237,441,366, plus strand): 5'-CCTCTCCCCTTAGGAAAAATTGGATGTAGGGGTGAGAAAAGAAGTAGATGGCATGGGAAC[A>G]TCTGAAATAAAATACGGTGACTCAGTATGCTATATACAACATGTAGACACAGGCCTATGG-3'
Protein context (NP_001026.2, residues 341-361): GVRKEVDGMG[Thr351=]SEIKYGDSVC